The following is an entry in ClinVar:

NM_201384.3(PLEC):c.12227T>C (p.Met4076Thr)

Gene: PLEC (plectin; minus strand). Cytogenetic location: 8q24.3.
Variant type: single nucleotide variant.
Coding change: c.12227T>C on transcript NM_201384.3 (MANE Select); coding-DNA position 12227, T replaced by C.
Protein change: p.Met4076Thr; replaces methionine 4076 with threonine.
Molecular consequence: missense variant.
Genome position (GRCh38, 1-based): chr8:143,917,594, A>G on the plus strand (T>C on the coding strand, the complement: PLEC is on the minus strand). VCF-style: chr8-143917594-A-G. GRCh37 (hg19) VCF-style: chr8-144991762-A-G.
Other names: c.12308T>C, p.Met4103Thr (NM_000445.5); c.8927T>C, p.Met2976Thr (NM_001410941.1); c.12185T>C, p.Met4062Thr (NM_201378.4); c.12161T>C, p.Met4054Thr (NM_201379.3); c.12638T>C, p.Met4213Thr (NM_201380.4); c.12131T>C, p.Met4044Thr (NM_201381.3); c.12227T>C, p.Met4076Thr (NM_201382.4); c.12239T>C, p.Met4080Thr (NM_201383.3); short protein forms M4062T, M4076T, M4213T, M2976T, M4080T, M4103T, M4044T, M4054T.
Identifiers: ClinVar variation 2952145 (VCV002952145.3), dbSNP rs782507210, ClinGen allele CA4924145.

ClinVar aggregate classification (germline): Uncertain significance (1 of 4 stars; one submission).

Conditions:
Epidermolysis bullosa simplex with nail dystrophy (EBS5D). Identifiers: MedGen C4225309, MONDO:0014661, OMIM 616487.
Autosomal recessive limb-girdle muscular dystrophy type 2Q (LGMDR17). Also called: MUSCULAR DYSTROPHY, LIMB-GIRDLE, AUTOSOMAL RECESSIVE 17. Identifiers: Orphanet 254361, MedGen C3150989, MONDO:0013390, OMIM 613723.
Epidermolysis bullosa simplex 5C, with pyloric atresia (EBS5C). Also called: PLEC1-Related Epidermolysis Bullosa with Pyloric Atresia; PLEC-Related Epidermolysis Bullosa with Pyloric Atresia; Epidermolysis bullosa simplex with pyloric atresia. Identifiers: Orphanet 158684, MedGen C2677349, MONDO:0012807, OMIM 612138.
Epidermolysis bullosa simplex 5B, with muscular dystrophy (EBS5B). Also called: Epidermolysis bullosa simplex with muscular dystrophy; EPIDERMOLYSIS BULLOSA SIMPLEX AND LIMB-GIRDLE MUSCULAR DYSTROPHY. Identifiers: Orphanet 257, MedGen C2931072, MONDO:0009181, OMIM 226670.
Epidermolysis bullosa simplex, Ogna type (EBS5A). Also called: EPIDERMOLYSIS BULLOSA SIMPLEX 5A, OGNA TYPE; Pidermolysis bullosa simplex 5A, Ogna type. Identifiers: Orphanet 79401, MedGen C0432317, MONDO:0007555, OMIM 131950.

Allele frequency attached by ClinVar (database versions not stated): ExAC 0.00001; gnomAD 0.00001; TOPMed 0.00002.
gnomAD v4.1: 2 of 1,613,630 alleles (0.00012%); highest among the groups gnomAD compares: Non-Finnish European, 0.00017%; no homozygotes.

Submission:

Labcorp Genetics (formerly Invitae), Labcorp
Classification: Uncertain significance for Autosomal recessive limb-girdle muscular dystrophy type 2Q; Epidermolysis bullosa simplex, Ogna type; Epidermolysis bullosa simplex with nail dystrophy; Epidermolysis bullosa simplex 5C, with pyloric atresia; Epidermolysis bullosa simplex 5B, with muscular dystrophy. Last evaluated: 2023-10-14. Review status: criteria provided, single submitter. Criteria: Invitae Variant Classification Sherloc (09022015). Collection method: clinical testing. Allele origin: germline.
Comment: This sequence change replaces methionine, which is neutral and non-polar, with threonine, which is neutral and polar, at codon 4103 of the PLEC protein (p.Met4103Thr). This variant is present in population databases (rs782507210, gnomAD 0.0009%). This variant has not been reported in the literature in individuals affected with PLEC-related conditions. Advanced modeling of protein sequence and biophysical properties (such as structural, functional, and spatial information, amino acid conservation, physicochemical variation, residue mobility, and thermodynamic stability) performed at Invitae indicates that this missense variant is not expected to disrupt PLEC protein function. In summary, the available evidence is currently insufficient to determine the role of this variant in disease. Therefore, it has been classified as a Variant of Uncertain Significance.